The following is an entry in ClinVar:

NM_001395333.1(MTCL1):c.1129C>T (p.Gln377Ter)

Gene: MTCL1 (microtubule crosslinking factor 1; plus strand). Cytogenetic location: 18p11.22.
Variant type: single nucleotide variant.
Coding change: c.1129C>T on transcript NM_001395333.1 (MANE Select); coding-DNA position 1129, C replaced by T.
Protein change: p.Gln377Ter; replaces glutamine 377 with a stop codon.
Molecular consequence: nonsense.
Genome position (GRCh38, 1-based): chr18:8,718,499, C>T. VCF-style: chr18-8718499-C-T. GRCh37 (hg19) VCF-style: chr18-8718497-C-T.
Other names: c.1129C>T, p.Gln377Ter (NM_001378205.1, NM_001378206.1, NM_001378207.1); c.49C>T, p.Gln17Ter (NM_001395220.1, NM_015210.4); short protein forms Q17*, Q377*.
Identifiers: ClinVar variation 2431351 (VCV002431351.4), dbSNP rs2510211807, ClinGen allele CA401866487.

ClinVar aggregate classification (germline): Pathogenic (0 of 4 stars; one submission).

Conditions:
Cerebellar ataxia. Identifiers: Orphanet 102002, MedGen C0007758, MONDO:0000437.

Submission:

Department Of Medical Genetics, Faculty Of Medicine, Ege University
Classification: Pathogenic for Ataxia. Last evaluated: 2023-01-23. Review status: no assertion criteria provided. Collection method: case-control. Allele origin: germline. Inheritance: Autosomal recessive inheritance. Affected: yes. Observed: 1 homozygote.
Comment: The c.49C>T substitution causes a stop codon gain in the exon 3 of the MTCL1 gene (Glutamine to termination codon). In-silico predictions were aggregated deleterious for the replacement. The variant had not previously been reported in public databases. Regarding these findings, the c.49C>T (p.Gln17Ter) in MTCL1 was classified as a likely pathogenic according to the recommendations of the American College of Medical Genetics (ACMG) Standards and Guidelines. After the segregation of the family, the variant was interpreted as pathogenic according to the ACMG classification.

Literature cited by the submitters: PubMed 30548255.